The following is an entry in ClinVar:

ClinVar aggregate classification (germline): Likely benign. Review status: criteria provided, single submitter (1 of 4 stars). 2 submissions from 2 submitters: Likely benign (1). 1 of the submissions does not count toward it. Last evaluated 2025-03-17.

Conditions:
AFF4-related disorder. Also called: AFF4-related condition.
Cognitive impairment - coarse facies - heart defects - obesity - pulmonary involvement - short stature - skeletal dysplasia syndrome. Also called: AFF4-Related CHOPS Syndrome; COGNITIVE IMPAIRMENT, COARSE FACIES, HEART DEFECTS, OBESITY, PULMONARY INVOLVEMENT, SHORT STATURE, AND SKELETAL DYSPLASIA; Chops syndrome. Identifiers: Orphanet 444077, MedGen C4085597, MONDO:0014609, OMIM 616368.

Allele frequency attached by ClinVar (database versions not stated): TOPMed 0.00003; gnomAD 0.00004; gnomAD exomes 0.00008; ExAC 0.00011.
gnomAD v4.1: 97 of 1,611,848 alleles (0.006%); highest among the groups gnomAD compares: Non-Finnish European, 0.0076%; no homozygotes.

Submissions (2):

Labcorp Genetics (formerly Invitae), Labcorp
Classification: Likely benign for Cognitive impairment - coarse facies - heart defects - obesity - pulmonary involvement - short stature - skeletal dysplasia syndrome. Last evaluated: 2025-03-17. Review status: criteria provided, single submitter. Criteria: Invitae Variant Classification Sherloc (09022015). Collection method: clinical testing. Allele origin: germline.

PreventionGenetics, part of Exact Sciences
Classification: Likely benign for AFF4-related condition. Last evaluated: 2024-04-02. Review status: no assertion criteria provided. Collection method: clinical testing. Allele origin: germline. Not counted in ClinVar's aggregate classification.
Comment: This variant is classified as likely benign based on ACMG/AMP sequence variant interpretation guidelines (Richards et al. 2015 PMID: 25741868, with internal and published modifications).

NM_014423.4(AFF4):c.909A>G (p.Gln303=)

Gene: AFF4 (ALF transcription elongation factor 4; minus strand). Cytogenetic location: 5q31.1.
Variant type: single nucleotide variant.
Coding change: c.909A>G on transcript NM_014423.4 (MANE Select); coding-DNA position 909, A replaced by G.
Protein change: p.Gln303=; no amino-acid change (glutamine 303 retained).
Molecular consequence: synonymous variant.
Genome position (GRCh38, 1-based): chr5:132,934,156, T>C on the plus strand (A>G on the coding strand, the complement: AFF4 is on the minus strand). VCF-style: chr5-132934156-T-C. GRCh37 (hg19) VCF-style: chr5-132269848-T-C.
Other names: c.909A>G (NM_014423.3).
Identifiers: ClinVar variation 1651729 (VCV001651729.9), dbSNP rs749521715, ClinGen allele CA3409357.
Genomic context (GRCh38, chr5:132,934,156, plus strand): 5'-TCAATTGCTTCACGTAGTCACAATGTTAAAAGCTCTAAATGTGTGACTTACATCCAGTGG[T>C]TGGGAAGGTATTTTCAGCTTGGTGAGATGTGCTTTGCTGCTGGGCTTCAGCTCAGTCATG-3'
Protein context (NP_055238.1, residues 293-313): AHLTKLKIPS[Gln303=]PLDASASGDV